The following is an entry in ClinVar:

ClinVar aggregate classification (germline): Uncertain significance (1 of 4 stars; one submission).

Conditions:
Congenital sideroblastic anemia-B-cell immunodeficiency-periodic fever-developmental delay syndrome. Also called: Sideroblastic anemia with B-cell immunodeficiency, periodic fevers, and developmental delay. Identifiers: Orphanet 369861, MedGen C4015172, MONDO:0014487, OMIM 616084.

Submission:

Labcorp Genetics (formerly Invitae), Labcorp
Classification: Uncertain significance for Congenital sideroblastic anemia-B-cell immunodeficiency-periodic fever-developmental delay syndrome. Last evaluated: 2021-07-15. Review status: criteria provided, single submitter. Criteria: Invitae Variant Classification Sherloc (09022015). Collection method: clinical testing. Allele origin: germline.
Comment: This variant has not been reported in the literature in individuals affected with TRNT1-related conditions. This variant is not present in population databases (ExAC no frequency). This sequence change replaces arginine with lysine at codon 237 of the TRNT1 protein (p.Arg237Lys). The arginine residue is highly conserved and there is a small physicochemical difference between arginine and lysine. Algorithms developed to predict the effect of missense changes on protein structure and function (SIFT, PolyPhen-2, Align-GVGD) all suggest that this variant is likely to be disruptive. In summary, the available evidence is currently insufficient to determine the role of this variant in disease. Therefore, it has been classified as a Variant of Uncertain Significance.

NM_182916.3(TRNT1):c.710G>A (p.Arg237Lys)

Gene: TRNT1 (tRNA nucleotidyl transferase 1; plus strand). Cytogenetic location: 3p26.2.
Variant type: single nucleotide variant.
Coding change: c.710G>A on transcript NM_182916.3 (MANE Select); coding-DNA position 710, G replaced by A.
Protein change: p.Arg237Lys; replaces arginine 237 with lysine.
Molecular consequence: missense variant. On other transcripts: non-coding transcript variant (6).
Genome position (GRCh38, 1-based): chr3:3,146,531, G>A. VCF-style: chr3-3146531-G-A. GRCh37 (hg19) VCF-style: chr3-3188215-G-A.
Other names: c.710G>A, p.Arg237Lys (NM_001302946.2, NM_001367321.1, NM_001367322.1 and 1 more transcripts); short protein forms R237K.
Identifiers: ClinVar variation 1367673 (VCV001367673.8), dbSNP rs2126034891, ClinGen allele CA351447130.
Genomic context (GRCh38, chr3:3,146,531, plus strand): 5'-CTGAGACTTTGGAAGCAATTGCAGAAAATGCAAAAGGCTTGGCTGGAATATCAGGAGAAA[G>A]GATTTGGGTGGAACTGAAAAAAATTCTTGTTGGTAACCATGTAAATCATTTGATTCACCT-3'
Protein context (NP_886552.3, residues 227-247): AKGLAGISGE[Arg237Lys]IWVELKKILV